The following is an entry in ClinVar:

ClinVar aggregate classification (germline): Likely benign. Review status: criteria provided, single submitter (1 of 4 stars). 2 submissions from 2 submitters: Likely benign (1). 1 of the submissions does not count toward it. Last evaluated 2023-07-28.

Conditions:
ATP5F1D-related disorder. Also called: ATP5F1D-related condition.

Allele frequency attached by ClinVar (database versions not stated): TOPMed below 0.00001.

Submissions (2):

Labcorp Genetics (formerly Invitae), Labcorp
Classification: Likely benign. Last evaluated: 2023-07-28. Review status: criteria provided, single submitter. Criteria: Invitae Variant Classification Sherloc (09022015). Collection method: clinical testing. Allele origin: germline.

PreventionGenetics, part of Exact Sciences
Classification: Likely benign for ATP5F1D-related condition. Last evaluated: 2022-03-23. Review status: no assertion criteria provided. Collection method: clinical testing. Allele origin: germline. Not counted in ClinVar's aggregate classification.
Comment: This variant is classified as likely benign based on ACMG/AMP sequence variant interpretation guidelines (Richards et al. 2015 PMID: 25741868, with internal and published modifications).

NM_001687.5(ATP5F1D):c.141+9G>C

Genes: ATP5F1D (ATP synthase F1 subunit delta; plus strand), LOC130062903 (ATAC-STARR-seq lymphoblastoid silent region 9673; plus strand). Cytogenetic location: 19p13.3.
Variant type: single nucleotide variant.
Coding change: c.141+9G>C on transcript NM_001687.5 (MANE Select); 9 bases into the intron after coding-DNA position 141, G replaced by C.
Molecular consequence: intron variant.
Genome position (GRCh38, 1-based): chr19:1,242,000, G>C. VCF-style: chr19-1242000-G-C. GRCh37 (hg19) VCF-style: chr19-1241999-G-C.
Other names: c.141+9G>C (NM_001001975.1, NM_001001975.2).
Identifiers: ClinVar variation 2972024 (VCV002972024.5), dbSNP rs781600788, ClinGen allele CA2317603921.
Genomic context (GRCh38, chr19:1,242,000, plus strand): 5'-TGCCGCCTCTGGCCCCAACCAGATGTCCTTCACCTTCGCCTCTCCCACGCAGGTTCGGGC[G>C]CTGCGGGTCGGGACCCTCCGTGGCCGCCGCCCCCGGAGTCCAGGGTCCCCACCCCCAGGG-3'